The following is an entry in ClinVar:

ClinVar aggregate classification (germline): Uncertain significance (1 of 4 stars; one submission).

Submission:

Labcorp Genetics (formerly Invitae), Labcorp
Classification: Uncertain significance. Last evaluated: 2025-05-11. Review status: criteria provided, single submitter. Criteria: Invitae Variant Classification Sherloc (09022015). Collection method: clinical testing. Allele origin: germline.
Comment: This sequence change replaces proline, which is neutral and non-polar, with alanine, which is neutral and non-polar, at codon 2403 of the SPEG protein (p.Pro2403Ala). This variant is not present in population databases (gnomAD no frequency). This variant has not been reported in the literature in individuals affected with SPEG-related conditions. An algorithm developed to predict the effect of missense changes on protein structure and function (PolyPhen-2) suggests that this variant is likely to be disruptive. In summary, the available evidence is currently insufficient to determine the role of this variant in disease. Therefore, it has been classified as a Variant of Uncertain Significance.

NM_005876.5(SPEG):c.7207C>G (p.Pro2403Ala)

Genes: ASIC4-AS1 (ASIC4 antisense RNA 1; minus strand), SPEG (striated muscle enriched protein kinase; plus strand). Cytogenetic location: 2q35.
Variant type: single nucleotide variant.
Coding change: c.7207C>G on transcript NM_005876.5 (MANE Select); coding-DNA position 7207, C replaced by G.
Protein change: p.Pro2403Ala; replaces proline 2403 with alanine.
Molecular consequence: missense variant.
Genome position (GRCh38, 1-based): chr2:219,484,670, C>G. VCF-style: chr2-219484670-C-G. GRCh37 (hg19) VCF-style: chr2-220349392-C-G.
Other names: short protein forms P2403A.
Identifiers: ClinVar variation 4797662 (VCV004797662.1).